The following is an entry in ClinVar:

NM_005120.3(MED12):c.6409-114T>C

Gene: MED12 (mediator complex subunit 12; plus strand). Cytogenetic location: Xq13.1.
Variant type: single nucleotide variant.
Coding change: c.6409-114T>C on transcript NM_005120.3 (MANE Select); 114 bases into the intron before coding-DNA position 6409, T replaced by C.
Molecular consequence: intron variant.
Genome position (GRCh38, 1-based): chrX:71,141,769, T>C. VCF-style: chrX-71141769-T-C. GRCh37 (hg19) VCF-style: chrX-70361619-T-C.
Identifiers: ClinVar variation 674296 (VCV000674296.2), dbSNP rs3895088, ClinGen allele CA330985537.

ClinVar aggregate classification (germline): Benign. Review status: criteria provided, multiple submitters, no conflicts (2 of 4 stars). 2 submissions from 2 submitters: Benign (2). Last evaluated 2018-06-14.

Allele frequency attached by ClinVar (database versions not stated): gnomAD exomes 0.06740; gnomAD 0.14559 and 0.14604; TOPMed 0.17473; 1000 Genomes Project 0.22172; 1000 Genomes Project 30x 0.23434.
gnomAD v4.1: 54,924 of 683,696 alleles (8%); highest among the groups gnomAD compares: African/African-American, 34%; 4,561 homozygotes.

Submissions (2):

GeneDx
Classification: Benign. Last evaluated: 2018-06-14. Review status: criteria provided, single submitter. Criteria: GeneDx Variant Classification (06012015). Collection method: clinical testing. Allele origin: germline. Affected: yes.
Comment: This variant is considered likely benign or benign based on one or more of the following criteria: it is a conservative change, it occurs at a poorly conserved position in the protein, it is predicted to be benign by multiple in silico algorithms, and/or has population frequency not consistent with disease.

Breakthrough Genomics
Classification: Benign. Review status: criteria provided, single submitter. Criteria: ACMG Guidelines, 2015. Collection method: not provided. Allele origin: germline. Inheritance: X-linked inheritance. Affected: yes.